The following is an entry in ClinVar:

ClinVar aggregate classification (germline): Conflicting classifications of pathogenicity. Review status: criteria provided, conflicting classifications (1 of 4 stars). 2 submissions from 2 submitters: Uncertain significance (1); Likely benign (1). Last evaluated 2025-07-28.

Conditions:
Neurofibromatosis, type 1 (NF1). Also called: VON RECKLINGHAUSEN DISEASE; Neurofibromatosis, type I; NEUROFIBROMATOSIS, TYPE I, SOMATIC; Peripheral type neurofibromatosis. Identifiers: Orphanet 636, MedGen C0027831, MONDO:0018975, OMIM 162200. Disease mechanism: loss of function.
Hereditary cancer-predisposing syndrome. Also called: Hereditary Cancer Syndrome; Tumor predisposition; Neoplastic Syndromes, Hereditary; Hereditary neoplastic syndrome. Identifiers: Orphanet 140162, MedGen C0027672, MeSH D009386, MONDO:0015356.
Cardiovascular phenotype. Identifiers: MedGen CN230736.

Submissions (2):

Ambry Genetics
Classification: Uncertain significance for Cardiovascular phenotype; Hereditary cancer-predisposing syndrome. Last evaluated: 2025-07-28. Review status: criteria provided, single submitter. Criteria: Ambry Variant Classification Scheme 2023. Collection method: clinical testing. Allele origin: germline.
Comment: The c.6365-4A>T intronic variant results from an A to T substitution 4 nucleotides upstream from coding exon 42 in the NF1 gene. This nucleotide position is not well conserved in available vertebrate species. In silico splice site analysis predicts that this alteration may result in the creation or strengthening of a novel splice acceptor site. Based on the available evidence, the clinical significance of this variant remains unclear.

Labcorp Genetics (formerly Invitae), Labcorp
Classification: Likely benign for Neurofibromatosis, type 1. Last evaluated: 2025-06-05. Review status: criteria provided, single submitter. Criteria: Invitae Variant Classification Sherloc (09022015). Collection method: clinical testing. Allele origin: germline.

NM_001042492.3(NF1):c.6428-4A>T

Gene: NF1 (neurofibromin 1; plus strand). Cytogenetic location: 17q11.2.
Variant type: single nucleotide variant.
Coding change: c.6428-4A>T on transcript NM_001042492.3 (MANE Select); 4 bases into the intron before coding-DNA position 6428, A replaced by T.
Molecular consequence: intron variant.
Genome position (GRCh38, 1-based): chr17:31,337,364, A>T. VCF-style: chr17-31337364-A-T. GRCh37 (hg19) VCF-style: chr17-29664382-A-T.
Other names: c.6365-4A>T (NM_000267.4, NM_000267.3).
Identifiers: ClinVar variation 1633718 (VCV001633718.9), dbSNP rs1597843630, ClinGen allele CA2573153834.